The following is an entry in ClinVar:

NM_177438.3(DICER1):c.2654A>C (p.Asn885Thr)

Gene: DICER1 (dicer 1, ribonuclease III; minus strand). Cytogenetic location: 14q32.13.
Variant type: single nucleotide variant.
Coding change: c.2654A>C on transcript NM_177438.3 (MANE Select); coding-DNA position 2654, A replaced by C.
Protein change: p.Asn885Thr; replaces asparagine 885 with threonine.
Molecular consequence: missense variant.
Genome position (GRCh38, 1-based): chr14:95,107,758, T>G on the plus strand (A>C on the coding strand, the complement: DICER1 is on the minus strand). VCF-style: chr14-95107758-T-G. GRCh37 (hg19) VCF-style: chr14-95574095-T-G.
Other names: c.2654A>C, p.Asn885Thr (NM_001195573.1, NM_001271282.3, NM_001291628.2 and 1 more transcripts); short protein forms N885T.
Identifiers: ClinVar variation 933547 (VCV000933547.13), dbSNP rs1595379417, ClinGen allele CA390880979.
Genomic context (GRCh38, chr14:95,107,758, plus strand): 5'-GCTTCAGACTTCTCAATATCTTCCATGAATTTAAAGTCAATATCCAAAGTGCTGGAGTCA[T>G]TAACTTAGAAGAGAAAAACGACTCTTTAGCTTGTTAAAACATGATACAGATAAGTTTCAT-3'
Protein context (NP_803187.1, residues 875-895): AYCVLPLNVV[Asn885Thr]DSSTLDIDFK

ClinVar aggregate classification (germline): Uncertain significance. Review status: criteria provided, multiple submitters, no conflicts (2 of 4 stars). 2 submissions from 2 submitters: Uncertain significance (2). Last evaluated 2024-06-13.

Conditions:
DICER1-related tumor predisposition. Also called: DICER1-related pleuropulmonary blastoma cancer predisposition syndrome; DICER1 syndrome. Identifiers: Orphanet 284343, MedGen C3839822, MONDO:0100216.
Hereditary cancer-predisposing syndrome. Also called: Tumor predisposition; Hereditary neoplastic syndrome; Neoplastic Syndromes, Hereditary; Hereditary Cancer Syndrome. Identifiers: Orphanet 140162, MedGen C0027672, MeSH D009386, MONDO:0015356.

Submissions (2):

Labcorp Genetics (formerly Invitae), Labcorp
Classification: Uncertain significance for DICER1-related tumor predisposition. Last evaluated: 2024-06-13. Review status: criteria provided, single submitter. Criteria: Invitae Variant Classification Sherloc (09022015). Collection method: clinical testing. Allele origin: germline.
Comment: This sequence change replaces asparagine, which is neutral and polar, with threonine, which is neutral and polar, at codon 885 of the DICER1 protein (p.Asn885Thr). This variant is not present in population databases (gnomAD no frequency). This variant has not been reported in the literature in individuals affected with DICER1-related conditions. ClinVar contains an entry for this variant (Variation ID: 933547). Advanced modeling of protein sequence and biophysical properties (such as structural, functional, and spatial information, amino acid conservation, physicochemical variation, residue mobility, and thermodynamic stability) performed at Invitae indicates that this missense variant is not expected to disrupt DICER1 protein function with a negative predictive value of 80%. In summary, the available evidence is currently insufficient to determine the role of this variant in disease. Therefore, it has been classified as a Variant of Uncertain Significance.

Ambry Genetics
Classification: Uncertain significance for Hereditary cancer-predisposing syndrome. Last evaluated: 2021-07-25. Review status: criteria provided, single submitter. Criteria: Ambry Variant Classification Scheme 2023. Collection method: clinical testing. Allele origin: germline.
Comment: The p.N885T variant (also known as c.2654A>C), located in coding exon 16 of the DICER1 gene, results from an A to C substitution at nucleotide position 2654. The asparagine at codon 885 is replaced by threonine, an amino acid with similar properties. This amino acid position is not well conserved in available vertebrate species. In addition, this alteration is predicted to be tolerated by in silico analysis. Since supporting evidence is limited at this time, the clinical significance of this alteration remains unclear.